The following is an entry in ClinVar:

ClinVar aggregate classification (germline): Uncertain significance. Review status: criteria provided, multiple submitters, no conflicts (2 of 4 stars). 2 submissions from 2 submitters: Uncertain significance (2). Last evaluated 2025-03-13.

Allele frequency attached by ClinVar (database versions not stated): TOPMed below 0.00001; ExAC 0.00001; gnomAD exomes 0.00001.

Submissions (2):

GeneDx
Classification: Uncertain significance. Last evaluated: 2025-03-13. Review status: criteria provided, single submitter. Criteria: GeneDx Variant Classification Process June 2021. Collection method: clinical testing. Allele origin: germline. Affected: yes.
Comment: Not observed at significant frequency in large population cohorts (gnomAD); In silico analysis supports that this missense variant has a deleterious effect on protein structure/function; Has not been previously published as pathogenic or benign to our knowledge

Labcorp Genetics (formerly Invitae), Labcorp
Classification: Uncertain significance. Last evaluated: 2022-06-20. Review status: criteria provided, single submitter. Criteria: Invitae Variant Classification Sherloc (09022015). Collection method: clinical testing. Allele origin: germline.
Comment: This sequence change replaces methionine, which is neutral and non-polar, with threonine, which is neutral and polar, at codon 401 of the USH1G protein (p.Met401Thr). This variant is present in population databases (rs748416580, gnomAD 0.003%). This variant has not been reported in the literature in individuals affected with USH1G-related conditions. Algorithms developed to predict the effect of missense changes on protein structure and function are either unavailable or do not agree on the potential impact of this missense change (SIFT: "Not Available"; PolyPhen-2: "Benign"; Align-GVGD: "Not Available"). In summary, the available evidence is currently insufficient to determine the role of this variant in disease. Therefore, it has been classified as a Variant of Uncertain Significance.

NM_173477.5(USH1G):c.1202T>C (p.Met401Thr)

Gene: USH1G (USH1 protein network component sans; minus strand). Cytogenetic location: 17q25.1.
Variant type: single nucleotide variant.
Coding change: c.1202T>C on transcript NM_173477.5 (MANE Select); coding-DNA position 1202, T replaced by C.
Protein change: p.Met401Thr; replaces methionine 401 with threonine.
Molecular consequence: missense variant.
Genome position (GRCh38, 1-based): chr17:74,919,634, A>G on the plus strand (T>C on the coding strand, the complement: USH1G is on the minus strand). VCF-style: chr17-74919634-A-G. GRCh37 (hg19) VCF-style: chr17-72915729-A-G.
Other names: c.893T>C, p.Met298Thr (NM_001282489.3); c.1202T>C (NM_173477.2); short protein forms M298T, M401T.
Identifiers: ClinVar variation 1348411 (VCV001348411.8), dbSNP rs748416580, ClinGen allele CA8753916.